The following is an entry in ClinVar:

NM_001943.5(DSG2):c.2373A>G (p.Thr791=)

Genes: DSG2 (desmoglein 2; plus strand), DSG2-AS1 (DSG2 antisense RNA 1; minus strand). Cytogenetic location: 18q12.1.
Variant type: single nucleotide variant.
Coding change: c.2373A>G on transcript NM_001943.5 (MANE Select); coding-DNA position 2373, A replaced by G.
Protein change: p.Thr791=; no amino-acid change (threonine 791 retained).
Molecular consequence: synonymous variant. On other transcripts: non-coding transcript variant (1).
Genome position (GRCh38, 1-based): chr18:31,545,759, A>G. VCF-style: chr18-31545759-A-G. GRCh37 (hg19) VCF-style: chr18-29125722-A-G.
Other names: c.2373A>G (NM_001943.3).
Identifiers: ClinVar variation 925526 (VCV000925526.11), dbSNP rs2073300563, ClinGen allele CA503766032.

ClinVar aggregate classification (germline): Likely benign. Review status: criteria provided, multiple submitters, no conflicts (2 of 4 stars). 4 submissions from 4 submitters: Likely benign (4). Last evaluated 2026-01-12.

Conditions:
Cardiomyopathy (CMYO). Also called: Cardiomyopathies. Identifiers: Orphanet 167848, MedGen C0878544, MONDO:0004994, HP:0001638. Inheritance: Various modes of inheritance.
Cardiovascular phenotype. Identifiers: MedGen CN230736.
Arrhythmogenic right ventricular cardiomyopathy (ARVD). Also called: Arrhythmogenic cardiomyopathy; Cardiomyopathy, ARVC; Arrhythmogenic right ventricular dysplasia; Arrhythmogenic Right Ventricular Cardiomyopathy (ARVC). Identifiers: Orphanet 247, MedGen C0349788, MeSH D019571, MONDO:0016587. Disease mechanism: loss of function. Inheritance: Various modes of inheritance.
Arrhythmogenic right ventricular dysplasia 10. Also called: Arrhythmogenic Right Ventricular Dysplasia/Cardiomyopathy10; ARRHYTHMOGENIC RIGHT VENTRICULAR DYSPLASIA, FAMILIAL, 10; Arrhythmogenic right ventricular dysplasia/cardiomyopathy, type 10. Identifiers: MedGen C1857777, MONDO:0012434, OMIM 610193.

Allele frequency attached by ClinVar (database versions not stated): TOPMed below 0.00001.

Submissions (4):

Labcorp Genetics (formerly Invitae), Labcorp
Classification: Likely benign for Arrhythmogenic right ventricular dysplasia 10. Last evaluated: 2026-01-12. Review status: criteria provided, single submitter. Criteria: Invitae Variant Classification Sherloc (09022015). Collection method: clinical testing. Allele origin: germline.

Ambry Genetics
Classification: Likely benign for Cardiovascular phenotype. Last evaluated: 2025-02-10. Review status: criteria provided, single submitter. Criteria: Ambry Variant Classification Scheme 2023. Collection method: clinical testing. Allele origin: germline.

All of Us Research Program, National Institutes of Health
Classification: Likely benign for Arrhythmogenic right ventricular cardiomyopathy. Last evaluated: 2023-06-27. Review status: criteria provided, single submitter. Criteria: ACMG Guidelines, 2015. Collection method: clinical testing. Allele origin: germline. Inheritance: Autosomal dominant inheritance. Observed: 1 variant allele, 1 heterozygote.
Comment: This study involves interpretation of variants in research participants for the purpose of population health screening. Participant phenotype was not available at the time of variant classification. Additional details can be found in publication PMID: 35346344, PMCID: PMC8962531

Color Diagnostics, LLC DBA Color Health
Classification: Likely benign for Cardiomyopathy. Last evaluated: 2019-09-09. Review status: criteria provided, single submitter. Criteria: ACMG Guidelines, 2015. Collection method: clinical testing. Allele origin: germline.